The following is an entry in ClinVar:

NM_015978.3(TNNI3K):c.1202T>C (p.Leu401Pro)

Genes: FPGT-TNNI3K (FPGT-TNNI3K readthrough; plus strand), TNNI3K (TNNI3 interacting kinase; plus strand). Cytogenetic location: 1p31.1.
Variant type: single nucleotide variant.
Coding change: c.1202T>C on transcript NM_015978.3 (MANE Select); coding-DNA position 1202, T replaced by C.
Protein change: p.Leu401Pro; replaces leucine 401 with proline.
Molecular consequence: missense variant.
Genome position (GRCh38, 1-based): chr1:74,367,280, T>C. VCF-style: chr1-74367280-T-C. GRCh37 (hg19) VCF-style: chr1-74832964-T-C.
Other names: c.1505T>C, p.Leu502Pro (NM_001112808.3, NM_001199327.2); short protein forms L401P, L502P.
Identifiers: ClinVar variation 1714477 (VCV001714477.5), dbSNP rs2524461825, ClinGen allele CA340785424.
Genomic context (GRCh38, chr1:74,367,280, plus strand): 5'-TTTAGGACTCTTTGTTCTTTGTATCTTTTCATAAAGGGCATGATGCCATTGTCACACTCC[T>C]GAAGCATTATAAGAGACCACAAGATGAATTGCCCTGTAATGAATATTCTCAGCCTGGAGG-3'
Protein context (NP_057062.1, residues 391-411): EKGHDAIVTL[Leu401Pro]KHYKRPQDEL

ClinVar aggregate classification (germline): Uncertain significance (1 of 4 stars; one submission).

Submission:

Labcorp Genetics (formerly Invitae), Labcorp
Classification: Uncertain significance. Last evaluated: 2022-07-30. Review status: criteria provided, single submitter. Criteria: Invitae Variant Classification Sherloc (09022015). Collection method: clinical testing. Allele origin: germline.
Comment: This variant is not present in population databases (gnomAD no frequency). In summary, the available evidence is currently insufficient to determine the role of this variant in disease. Therefore, it has been classified as a Variant of Uncertain Significance. Algorithms developed to predict the effect of missense changes on protein structure and function (SIFT, PolyPhen-2, Align-GVGD) all suggest that this variant is likely to be disruptive. This variant has not been reported in the literature in individuals affected with TNNI3K-related conditions. This sequence change replaces leucine, which is neutral and non-polar, with proline, which is neutral and non-polar, at codon 401 of the TNNI3K protein (p.Leu401Pro).